The following is an entry in ClinVar:

ClinVar aggregate classification (germline): Conflicting classifications of pathogenicity. Review status: criteria provided, conflicting classifications (1 of 4 stars). 3 submissions from 3 submitters: Uncertain significance (1); Benign (1); Likely benign (1). Last evaluated 2025-11-09.

Conditions:
Hereditary cancer-predisposing syndrome. Also called: Hereditary neoplastic syndrome; Neoplastic Syndromes, Hereditary; Tumor predisposition; Hereditary Cancer Syndrome. Identifiers: Orphanet 140162, MedGen C0027672, MeSH D009386, MONDO:0015356.
Tuberous sclerosis syndrome (TSC). Also called: Tuberous Sclerosis Complex; Tuberous sclerosis. Identifiers: Orphanet 805, MedGen C0041341, MONDO:0001734.
Tuberous sclerosis 1 (TSC1). Identifiers: Orphanet 805, MedGen C1854465, MONDO:0008612, OMIM 191100.

Allele frequency attached by ClinVar (database versions not stated): gnomAD 0.00003 and 0.00001; TOPMed 0.00004; 1000 Genomes Project 0.00020; gnomAD exomes below 0.00001; 1000 Genomes Project 30x 0.00031.
gnomAD v4.1: 10 of 1,614,228 alleles (0.00062%); highest among the groups gnomAD compares: African/African-American, 0.012%; no homozygotes.

Submissions (3):

Labcorp Genetics (formerly Invitae), Labcorp
Classification: Benign for Tuberous sclerosis 1. Last evaluated: 2025-11-09. Review status: criteria provided, single submitter. Criteria: Invitae Variant Classification Sherloc (09022015). Collection method: clinical testing. Allele origin: germline.

All of Us Research Program, National Institutes of Health
Classification: Uncertain significance for Tuberous sclerosis syndrome. Last evaluated: 2024-05-09. Review status: criteria provided, single submitter. Criteria: ACMG Guidelines, 2015. Collection method: clinical testing. Allele origin: germline. Inheritance: Autosomal dominant inheritance. Observed: 4 variant alleles, 4 heterozygotes.
Comment: This missense variant replaces valine with alanine at codon 277 of the TSC1 protein. Computational prediction suggests that this variant may not impact protein structure and function (internally defined REVEL score threshold <= 0.5, PMID: 27666373). To our knowledge, functional studies have not been reported for this variant. This variant has not been reported in individuals affected with TSC1-related disorders in the literature. This variant has been identified in 2/282846 chromosomes in the general population by the Genome Aggregation Database (gnomAD). The available evidence is insufficient to determine the role of this variant in disease conclusively. Therefore, this variant is classified as a Variant of Uncertain Significance.

This study involves interpretation of variants in research participants for the purpose of population health screening. Participant phenotype was not available at the time of variant classification. Additional details can be found in publication PMID: 35346344, PMCID: PMC8962531

Ambry Genetics
Classification: Likely benign for Hereditary cancer-predisposing syndrome. Last evaluated: 2020-11-02. Review status: criteria provided, single submitter. Criteria: Ambry Variant Classification Scheme 2023. Collection method: clinical testing. Allele origin: germline.

NM_000368.5(TSC1):c.830T>C (p.Val277Ala)

Gene: TSC1 (TSC complex subunit 1; minus strand). Cytogenetic location: 9q34.13.
Variant type: single nucleotide variant.
Coding change: c.830T>C on transcript NM_000368.5 (MANE Select); coding-DNA position 830, T replaced by C.
Protein change: p.Val277Ala; replaces valine 277 with alanine.
Molecular consequence: missense variant.
Genome position (GRCh38, 1-based): chr9:132,912,365, A>G on the plus strand (T>C on the coding strand, the complement: TSC1 is on the minus strand). VCF-style: chr9-132912365-A-G. GRCh37 (hg19) VCF-style: chr9-135787752-A-G.
Other names: c.830T>C, p.Val277Ala (NM_001162426.2); c.677T>C, p.Val226Ala (NM_001162427.2); c.467T>C, p.Val156Ala (NM_001362177.2); short protein forms V277A, V156A, V226A.
Identifiers: ClinVar variation 411230 (VCV000411230.16), dbSNP rs200749357, ClinGen allele CA16612648.